The following is an entry in ClinVar:

ClinVar aggregate classification (germline): Uncertain significance. Review status: criteria provided, multiple submitters, no conflicts (2 of 4 stars). 2 submissions from 2 submitters: Uncertain significance (2). Last evaluated 2025-09-22.

Conditions:
Frontotemporal dementia and/or amyotrophic lateral sclerosis 8. Identifiers: MedGen C5436881, MONDO:0030872, OMIM 619132.

Allele frequency attached by ClinVar (database versions not stated): gnomAD 0.00001; gnomAD exomes 0.00001; TOPMed 0.00001.
gnomAD v4.1: 13 of 1,613,894 alleles (0.00081%); highest among the groups gnomAD compares: South Asian, 0.0044%; no homozygotes.

Submissions (2):

Labcorp Genetics (formerly Invitae), Labcorp
Classification: Uncertain significance. Last evaluated: 2025-09-22. Review status: criteria provided, single submitter. Criteria: Invitae Variant Classification Sherloc (09022015). Collection method: clinical testing. Allele origin: germline.
Comment: This sequence change replaces arginine, which is basic and polar, with cysteine, which is neutral and slightly polar, at codon 147 of the CYLD protein (p.Arg147Cys). This variant is present in population databases (no rsID available, gnomAD 0.003%). This variant has not been reported in the literature in individuals affected with CYLD-related conditions. ClinVar contains an entry for this variant (Variation ID: 2681040). Invitae Evidence Modeling of protein sequence and biophysical properties (such as structural, functional, and spatial information, amino acid conservation, physicochemical variation, residue mobility, and thermodynamic stability) indicates that this missense variant is not expected to disrupt CYLD protein function with a negative predictive value of 80%. In summary, the available evidence is currently insufficient to determine the role of this variant in disease. Therefore, it has been classified as a Variant of Uncertain Significance.

Baylor Genetics
Classification: Uncertain significance for Frontotemporal dementia and/or amyotrophic lateral sclerosis 8. Last evaluated: 2023-10-26. Review status: criteria provided, single submitter. Criteria: ACMG Guidelines, 2015. Collection method: clinical testing. Allele origin: unknown.

NM_001378743.1(CYLD):c.439C>T (p.Arg147Cys)

Gene: CYLD (CYLD lysine 63 deubiquitinase; plus strand). Cytogenetic location: 16q12.1.
Variant type: single nucleotide variant.
Coding change: c.439C>T on transcript NM_001378743.1 (MANE Select); coding-DNA position 439, C replaced by T.
Protein change: p.Arg147Cys; replaces arginine 147 with cysteine.
Molecular consequence: missense variant. On other transcripts: 5 prime UTR variant (2), non-coding transcript variant (1).
Genome position (GRCh38, 1-based): chr16:50,750,137, C>T. VCF-style: chr16-50750137-C-T. GRCh37 (hg19) VCF-style: chr16-50784048-C-T.
Other names: c.439C>T, p.Arg147Cys (NM_001042355.2, NM_001042412.3, NM_001378744.1 and 10 more transcripts); c.-224C>T (NM_001378754.1, NM_001378755.1); short protein forms R147C.
Identifiers: ClinVar variation 2681040 (VCV002681040.2), dbSNP rs940350665, ClinGen allele CA281297797.